The following is an entry in ClinVar:

ClinVar aggregate classification (germline): Uncertain significance (1 of 4 stars; one submission).

gnomAD v4.1: 4 of 1,614,046 alleles (0.00025%); highest among the groups gnomAD compares: Non-Finnish European, 0.00025%; no homozygotes.

Submission:

Labcorp Genetics (formerly Invitae), Labcorp
Classification: Uncertain significance. Last evaluated: 2021-04-02. Review status: criteria provided, single submitter. Criteria: Invitae Variant Classification Sherloc (09022015). Collection method: clinical testing. Allele origin: germline.
Comment: This variant has not been reported in the literature in individuals with DISP1-related conditions. In summary, the available evidence is currently insufficient to determine the role of this variant in disease. Therefore, it has been classified as a Variant of Uncertain Significance. Algorithms developed to predict the effect of missense changes on protein structure and function output the following: SIFT: "Tolerated"; PolyPhen-2: "Benign"; Align-GVGD: "Class C0". The glutamic acid amino acid residue is found in multiple mammalian species, suggesting that this missense change does not adversely affect protein function. These predictions have not been confirmed by published functional studies and their clinical significance is uncertain. This variant is present in population databases (rs72744122, ExAC 0.001%). This sequence change replaces aspartic acid with glutamic acid at codon 1246 of the DISP1 protein (p.Asp1246Glu). The aspartic acid residue is weakly conserved and there is a small physicochemical difference between aspartic acid and glutamic acid.

NM_001377229.1(DISP1):c.3738C>A (p.Asp1246Glu)

Gene: DISP1 (dispatched RND transporter family member 1; plus strand). Cytogenetic location: 1q41.
Variant type: single nucleotide variant.
Coding change: c.3738C>A on transcript NM_001377229.1 (MANE Select); coding-DNA position 3738, C replaced by A.
Protein change: p.Asp1246Glu; replaces aspartic acid 1246 with glutamic acid.
Molecular consequence: missense variant.
Genome position (GRCh38, 1-based): chr1:223,005,135, C>A. VCF-style: chr1-223005135-C-A. GRCh37 (hg19) VCF-style: chr1-223178477-C-A.
Other names: c.3009C>A, p.Asp1003Glu (NM_001350630.2); c.3738C>A, p.Asp1246Glu (NM_001369594.1, NM_001377228.1, NM_032890.5); short protein forms D1246E, D1003E.
Identifiers: ClinVar variation 1522480 (VCV001522480.8), dbSNP rs72744122, ClinGen allele CA1409458.
Genomic context (GRCh38, chr1:223,005,135, plus strand): 5'-TTTAGGGATGCCTGTGCATGCAGCTTACAACAGTGAACTCAGCAAAAGCACTGAAAGTGA[C>A]GCTGGCTCTGCCTTGTTACAGCCCCCTCTTGAACAGCATACCGTGTGTCACTTCTTCTCT-3'
Protein context (NP_001364158.1, residues 1236-1256): NSELSKSTES[Asp1246Glu]AGSALLQPPL